The following is an entry in ClinVar:

ClinVar aggregate classification (germline): Likely benign (1 of 4 stars; one submission).

Allele frequency attached by ClinVar (database versions not stated): gnomAD 0.00958; TOPMed 0.01042; 1000 Genomes Project 0.01178; 1000 Genomes Project 30x 0.01202.
gnomAD v4.1: 2,934 of 1,508,138 alleles (0.19%); highest among the groups gnomAD compares: African/African-American, 3.5%; 45 homozygotes.

Submission:

GeneDx
Classification: Likely benign. Last evaluated: 2020-11-08. Review status: criteria provided, single submitter. Criteria: GeneDx Variant Classification Process June 2021. Collection method: clinical testing. Allele origin: germline. Affected: yes.
Comment: See Variant Classification Assertion Criteria.

NM_001481.3(DRC4):c.1012-55C>T

Gene: DRC4 (dynein regulatory complex subunit 4; plus strand). Cytogenetic location: 16q24.3.
Variant type: single nucleotide variant.
Coding change: c.1012-55C>T on transcript NM_001481.3 (MANE Select); 55 bases into the intron before coding-DNA position 1012, C replaced by T.
Molecular consequence: intron variant. On other transcripts: non-coding transcript variant (1).
Genome position (GRCh38, 1-based): chr16:90,040,245, C>T. VCF-style: chr16-90040245-C-T. GRCh37 (hg19) VCF-style: chr16-90106653-C-T.
Other names: c.937-55C>T (NM_001286209.2); c.763-55C>T (NM_001286205.2); c.436-55C>T (NM_001286208.2).
Identifiers: ClinVar variation 1706941 (VCV001706941.2), dbSNP rs78701482, ClinGen allele CA286665927.
Genomic context (GRCh38, chr16:90,040,245, plus strand): 5'-CACTGTTGGGAGGCAGCGTGTTCCAGGCAGGTGCAGAGGTGGGAGGCAGCATCTTCCCAG[C>T]GAGATGTCCCCAGGTGAGGGGCCTCATCGCCCACCCCCAGCGCTGTCCCTACAGGTGCAG-3'